The following is an entry in ClinVar:

NM_002769.5(PRSS1):c.631C>A (p.Gln211Lys)

Genes: PRSS1 (serine protease 1; plus strand), TRB (T cell receptor beta locus; plus strand). Cytogenetic location: 7q34.
Variant type: single nucleotide variant.
Coding change: c.631C>A on transcript NM_002769.5 (MANE Select); coding-DNA position 631, C replaced by A.
Protein change: p.Gln211Lys; replaces glutamine 211 with lysine.
Molecular consequence: missense variant. On other transcripts: non-coding transcript variant (5).
Genome position (GRCh38, 1-based): chr7:142,752,907, C>A. VCF-style: chr7-142752907-C-A. GRCh37 (hg19) VCF-style: chr7-142460758-C-A.
Other names: short protein forms Q211K.
Identifiers: ClinVar variation 4843155 (VCV004843155.1).

ClinVar aggregate classification (germline): Uncertain significance (1 of 4 stars; one submission).

Conditions:
Hereditary pancreatitis (PCTT). Also called: Hereditary chronic pancreatitis; PRSS1-Related Hereditary Pancreatitis. Identifiers: Orphanet 676, MedGen C0238339, MONDO:0008185, OMIM 167800.

Submission:

Ambry Genetics
Classification: Uncertain significance for Hereditary pancreatitis. Last evaluated: 2026-01-03. Review status: criteria provided, single submitter. Criteria: Ambry Variant Classification Scheme 2023. Collection method: clinical testing. Allele origin: germline.
Comment: The p.Q211K variant (also known as c.631C>A), located in coding exon 5 of the PRSS1 gene, results from a C to A substitution at nucleotide position 631. The glutamine at codon 211 is replaced by lysine, an amino acid with similar properties. This amino acid position is conserved. In addition, the in silico prediction for this alteration is inconclusive. Based on the available evidence, the clinical significance of this variant remains unclear.